The following is an entry in ClinVar:

NM_006767.4(LZTR1):c.2377C>G (p.Leu793Val)

Gene: LZTR1 (leucine zipper like post translational regulator 1; plus strand). Cytogenetic location: 22q11.21.
Variant type: single nucleotide variant.
Coding change: c.2377C>G on transcript NM_006767.4 (MANE Select); coding-DNA position 2377, C replaced by G.
Protein change: p.Leu793Val; replaces leucine 793 with valine.
Molecular consequence: missense variant.
Genome position (GRCh38, 1-based): chr22:20,996,937, C>G. VCF-style: chr22-20996937-C-G. GRCh37 (hg19) VCF-style: chr22-21351226-C-G.
Other names: short protein forms L793V.
Identifiers: ClinVar variation 1790375 (VCV001790375.3), dbSNP rs758081836, ClinGen allele CA10119382.

ClinVar aggregate classification (germline): Uncertain significance (1 of 4 stars; one submission).

Conditions:
Hereditary cancer-predisposing syndrome. Also called: Hereditary Cancer Syndrome; Hereditary neoplastic syndrome; Tumor predisposition; Neoplastic Syndromes, Hereditary. Identifiers: Orphanet 140162, MedGen C0027672, MeSH D009386, MONDO:0015356.
Cardiovascular phenotype. Identifiers: MedGen CN230736.

Allele frequency attached by ClinVar (database versions not stated): gnomAD exomes below 0.00001; ExAC 0.00001.
gnomAD v4.1: 1 of 1,613,738 alleles (0.000062%); highest among the groups gnomAD compares: East Asian, 0.0022%; no homozygotes.

Submission:

Ambry Genetics
Classification: Uncertain significance for Cardiovascular phenotype; Hereditary cancer-predisposing syndrome. Last evaluated: 2025-06-12. Review status: criteria provided, single submitter. Criteria: Ambry Variant Classification Scheme 2023. Collection method: clinical testing. Allele origin: germline.
Comment: The p.L793V variant (also known as c.2377C>G), located in coding exon 20 of the LZTR1 gene, results from a C to G substitution at nucleotide position 2377. The leucine at codon 793 is replaced by valine, an amino acid with highly similar properties. This amino acid position is conserved. In addition, this alteration is predicted to be deleterious by in silico analysis. Since supporting evidence is limited at this time, the clinical significance of this alteration remains unclear.